The following is an entry in ClinVar:

NM_014055.4(IFT81):c.1334A>T (p.Gln445Leu)

Gene: IFT81 (intraflagellar transport 81; plus strand). Cytogenetic location: 12q24.11.
Variant type: single nucleotide variant.
Coding change: c.1334A>T on transcript NM_014055.4 (MANE Select); coding-DNA position 1334, A replaced by T.
Protein change: p.Gln445Leu; replaces glutamine 445 with leucine.
Molecular consequence: missense variant. On other transcripts: non-coding transcript variant (4).
Genome position (GRCh38, 1-based): chr12:110,180,567, A>T. VCF-style: chr12-110180567-A-T. GRCh37 (hg19) VCF-style: chr12-110618372-A-T.
Other names: c.1334A>T, p.Gln445Leu (NM_001143779.2); c.404A>T, p.Gln135Leu (NM_001347947.2, NM_001347948.2); short protein forms Q135L, Q445L.
Identifiers: ClinVar variation 1944820 (VCV001944820.2), dbSNP rs775236134, ClinGen allele CA6783334.

ClinVar aggregate classification (germline): Uncertain significance (1 of 4 stars; one submission).

Allele frequency attached by ClinVar (database versions not stated): ExAC 0.00001; gnomAD exomes 0.00001; TOPMed 0.00002.
gnomAD v4.1: 3 of 1,602,702 alleles (0.00019%); highest among the groups gnomAD compares: Admixed American, 0.005%; no homozygotes.

Submission:

Labcorp Genetics (formerly Invitae), Labcorp
Classification: Uncertain significance. Last evaluated: 2022-05-20. Review status: criteria provided, single submitter. Criteria: Invitae Variant Classification Sherloc (09022015). Collection method: clinical testing. Allele origin: germline.
Comment: This sequence change replaces glutamine, which is neutral and polar, with leucine, which is neutral and non-polar, at codon 445 of the IFT81 protein (p.Gln445Leu). This variant is present in population databases (rs775236134, gnomAD 0.009%). This variant has not been reported in the literature in individuals affected with IFT81-related conditions. Algorithms developed to predict the effect of missense changes on protein structure and function are either unavailable or do not agree on the potential impact of this missense change (SIFT: "Deleterious"; PolyPhen-2: "Benign"; Align-GVGD: "Class C0"). In summary, the available evidence is currently insufficient to determine the role of this variant in disease. Therefore, it has been classified as a Variant of Uncertain Significance.